The following is an entry in ClinVar:

ClinVar aggregate classification (germline): Uncertain significance (1 of 4 stars; one submission).

Allele frequency attached by ClinVar (database versions not stated): gnomAD exomes below 0.00001; ExAC 0.00001.
gnomAD v4.1: 11 of 1,613,934 alleles (0.00068%); highest among the groups gnomAD compares: South Asian, 0.0055%; no homozygotes.

Submission:

GeneDx
Classification: Uncertain significance. Last evaluated: 2022-07-19. Review status: criteria provided, single submitter. Criteria: GeneDx Variant Classification Process June 2021. Collection method: clinical testing. Allele origin: germline. Affected: yes.
Comment: In silico analysis supports that this missense variant has a deleterious effect on protein structure/function; Has not been previously published as pathogenic or benign to our knowledge

NM_001042681.2(RERE):c.1946G>A (p.Arg649His)

Gene: RERE (arginine-glutamic acid dipeptide repeats; minus strand). Cytogenetic location: 1p36.23.
Variant type: single nucleotide variant.
Coding change: c.1946G>A on transcript NM_001042681.2 (MANE Select); coding-DNA position 1946, G replaced by A.
Protein change: p.Arg649His; replaces arginine 649 with histidine.
Molecular consequence: missense variant.
Genome position (GRCh38, 1-based): chr1:8,361,833, C>T on the plus strand (G>A on the coding strand, the complement: RERE is on the minus strand). VCF-style: chr1-8361833-C-T. GRCh37 (hg19) VCF-style: chr1-8421893-C-T.
Other names: c.284G>A, p.Arg95His (NM_001042682.2); c.1946G>A, p.Arg649His (NM_012102.4); short protein forms R95H, R649H.
Identifiers: ClinVar variation 2136243 (VCV002136243.1), dbSNP rs777899098, ClinGen allele CA571498.